The following is an entry in ClinVar:

NM_033656.4(BRWD1):c.5452A>G (p.Ile1818Val)

Gene: BRWD1 (bromodomain and WD repeat domain containing 1; minus strand). Cytogenetic location: 21q22.2.
Variant type: single nucleotide variant.
Coding change: c.5452A>G on transcript NM_033656.4 (MANE Select); coding-DNA position 5452, A replaced by G.
Protein change: p.Ile1818Val; replaces isoleucine 1818 with valine.
Molecular consequence: missense variant.
Genome position (GRCh38, 1-based): chr21:39,198,964, T>C on the plus strand (A>G on the coding strand, the complement: BRWD1 is on the minus strand). VCF-style: chr21-39198964-T-C. GRCh37 (hg19) VCF-style: chr21-40570890-T-C.
Other names: c.5452A>G, p.Ile1818Val (NM_018963.5); short protein forms I1818V.
Identifiers: ClinVar variation 3034162 (VCV003034162.2), dbSNP rs113760569, ClinGen allele CA10026489.

ClinVar aggregate classification (germline): Likely benign (0 of 4 stars; one submission).

Conditions:
BRWD1-related disorder. Also called: BRWD1-related condition.

Allele frequency attached by ClinVar (database versions not stated): ExAC 0.00013; 1000 Genomes Project 30x 0.00047; 1000 Genomes Project 0.00060; gnomAD 0.00060; TOPMed 0.00072; ESP Exome Variant Server 0.00077.
gnomAD v4.1: 170 of 1,614,078 alleles (0.011%); highest among the groups gnomAD compares: African/African-American, 0.21%; 1 homozygote.

Submission:

PreventionGenetics, part of Exact Sciences
Classification: Likely benign for BRWD1-related condition. Last evaluated: 2019-06-11. Review status: no assertion criteria provided. Collection method: clinical testing. Allele origin: germline.
Comment: This variant is classified as likely benign based on ACMG/AMP sequence variant interpretation guidelines (Richards et al. 2015 PMID: 25741868, with internal and published modifications).